The following is an entry in ClinVar:

ClinVar aggregate classification (germline): Pathogenic/Likely pathogenic. Review status: criteria provided, multiple submitters, no conflicts (2 of 4 stars). 12 submissions from 12 submitters: Pathogenic (10); Likely pathogenic (1). 1 of the submissions does not count toward it. Last evaluated 2026-04-03.
ClinVar aggregate classification (oncogenicity): Oncogenic (1 of 4 stars; one submission).

Conditions:
Carcinoma of colon (CRC). Also called: Colon carcinoma; Colonic carcinoma. Identifiers: MedGen C0699790, MONDO:0002032.
Hepatocellular carcinoma (HCC). Also called: Primary carcinoma of liver; HEPATOMA; LIVER CELL CARCINOMA. Identifiers: Orphanet 88673, MedGen C2239176, MONDO:0007256, OMIM 114550, HP:0001402.
Familial adenomatous polyposis 1 (FAP1). Also called: POLYPOSIS, ADENOMATOUS INTESTINAL; FAMILIAL ADENOMATOUS POLYPOSIS 1, ATTENUATED. Identifiers: MedGen C2713442, MONDO:0021056, OMIM 175100. Disease mechanism: loss of function.
Neoplasm of stomach. Also called: Neoplasm of the stomach; Stomach Neoplasms; Gastric neoplasm. Identifiers: MedGen C0038356, MONDO:0021085, HP:0006753. Disease mechanism: gain of function. Inheritance: Somatic mutation.
Desmoid disease, hereditary (DESMD). Also called: FIBROMATOSIS, FAMILIAL INFILTRATIVE. Identifiers: Orphanet 873, MedGen C1851124, OMIM 135290. Disease mechanism: loss of function.
Hereditary cancer-predisposing syndrome. Also called: Tumor predisposition; Hereditary neoplastic syndrome; Neoplastic Syndromes, Hereditary; Hereditary Cancer Syndrome. Identifiers: Orphanet 140162, MedGen C0027672, MeSH D009386, MONDO:0015356.
Familial multiple polyposis syndrome (FAP). Also called: Familial polyposis; Familial Adenomatous Polyposis (FAP); Familial adenomatous polyposis; Familial intestinal polyposis; Classic familial adenomatous polyposis. Identifiers: Orphanet 733, MedGen C0032580, MONDO:0021055. Disease mechanism: loss of function.
Neoplasm. Also called: Neoplasms; Neoplasm (disease); tumor. Identifiers: MedGen C0027651, MeSH D009369, MONDO:0005070, HP:0002664.

Submissions (13):

Center for Genomic Medicine, Rigshospitalet, Copenhagen University Hospital
Classification: Oncogenic for Neoplasm. Last evaluated: 2026-10-16. Review status: criteria provided, single submitter. Criteria: ClinGen/CGC/VICC Guidelines for Oncogenicity, 2022. Collection method: clinical testing. Allele origin: somatic. Affected: yes.

Women's Health and Genetics/Laboratory Corporation of America, LabCorp
Classification: Pathogenic for Familial multiple polyposis syndrome. Last evaluated: 2026-04-03. Review status: criteria provided, single submitter. Criteria: LabCorp Variant Classification Summary - May 2015. Collection method: clinical testing. Allele origin: germline.
Comment: Variant summary: APC c.637C>T (p.Arg213X) results in a premature termination codon, predicted to cause absence of the protein due to nonsense mediated decay, which is a commonly known mechanism for disease. The variant was absent in 248532 control chromosomes (gnomAD). c.637C>T has been observed in multiple individuals affected with Familial Adenomatous Polyposis (e.g. de Oliveira_2019). These data indicate that the variant is very likely to be associated with disease. The following publication has been ascertained in the context of this evaluation (PMID: 30897307). ClinVar contains an entry for this variant (Variation ID: 140952). Based on the evidence outlined above, the variant was classified as pathogenic.

Labcorp Genetics (formerly Invitae), Labcorp
Classification: Pathogenic for Familial adenomatous polyposis 1. Last evaluated: 2025-11-19. Review status: criteria provided, single submitter. Criteria: Invitae Variant Classification Sherloc (09022015). Collection method: clinical testing. Allele origin: germline.
Comment: This sequence change creates a premature translational stop signal (p.Arg213*) in the APC gene. It is expected to result in an absent or disrupted protein product. Loss-of-function variants in APC are known to be pathogenic (PMID: 17963004, 20685668). This variant is not present in population databases (gnomAD no frequency). This premature translational stop signal has been observed in individual(s) with familial adenomatous polyposis and colon cancer (PMID: 1316610, 10094547, 17411426, 20223039, 20685668, 26681312). ClinVar contains an entry for this variant (Variation ID: 140952). For these reasons, this variant has been classified as Pathogenic.

Genomic Medicine Center of Excellence, King Faisal Specialist Hospital and Research Centre
Classification: Likely pathogenic for Familial adenomatous polyposis 1. Last evaluated: 2025-09-10. Review status: criteria provided, single submitter. Criteria: ACMG Guidelines, 2015. Collection method: clinical testing. Allele origin: germline.

Ambry Genetics
Classification: Pathogenic for Hereditary cancer-predisposing syndrome. Last evaluated: 2025-06-18. Review status: criteria provided, single submitter. Criteria: Ambry Variant Classification Scheme 2023. Collection method: clinical testing. Allele origin: germline.
Comment: The p.R213* pathogenic mutation (also known as c.637C>T), located in coding exon 5 of the APC gene, results from a C to T substitution at nucleotide position 637. This changes the amino acid from an arginine to a stop codon within coding exon 5. This variant has been identified in multiple patients with familial adenomatous polyposis (FAP) (Miyoshi Y et al. Proc. Natl. Acad. Sci. U.S.A. 1992 May 15;89(10):4452-6; Garcia-Lozano JR et al. Genet. Test. 2005 Spring;9(1):37-40; Friedl W et al. Hered. Cancer Clin. Pract. 2005 Sep 15;3(3):95-114); Stekrova J et al. BMC Med. Genet. 2007 Apr;8:16; Susswein LR et al. Genet. Med. 2016 Aug;18:823-32; Morcrette G et al. Oncoimmunology Mar;8:e1583547; de Oliveira JC et al. Cancer Med, 2019 05;8:2114-2122). This variant has also been reported as a de novo mutation in one FAP patient who had over 1000 polyps (Kanter-Smoler G et al. BMC Med. 2008 Apr 24;6:10). This variant is considered to be rare based on population cohorts in the Genome Aggregation Database (gnomAD). In addition to the clinical data presented in the literature, this alteration is expected to result in loss of function by premature protein truncation or nonsense-mediated mRNA decay. As such, this alteration is interpreted as a disease-causing mutation.

Quest Diagnostics Nichols Institute San Juan Capistrano
Classification: Pathogenic. Last evaluated: 2024-06-26. Review status: criteria provided, single submitter. Criteria: Quest Diagnostics criteria. Collection method: clinical testing. Allele origin: unknown.
Comment: The APC c.637C>T (p.Arg213*) variant causes the premature termination of APC protein synthesis. This variant has been reported in the published literature in individuals with familial adenomatous polyposis (PMID: 30897307 (2019), 22790147 (2012), 20685668 (2010), 20223039 (2005), 15857185 (2005), 15024739 (2004), 1316610 (1992)). This variant has not been reported in large, multi-ethnic general populations (Genome Aggregation Database). Based on the available information, this variant is classified as pathogenic.

Baylor Genetics
Classification: Pathogenic for Familial adenomatous polyposis 1. Last evaluated: 2024-03-13. Review status: criteria provided, single submitter. Criteria: ACMG Guidelines, 2015. Collection method: clinical testing. Allele origin: unknown.

GeneDx
Classification: Pathogenic. Last evaluated: 2024-02-12. Review status: criteria provided, single submitter. Criteria: GeneDx Variant Classification Process June 2021. Collection method: clinical testing. Allele origin: germline. Affected: yes.
Comment: Nonsense variant predicted to result in protein truncation or nonsense mediated decay in a gene for which loss-of-function is a known mechanism of disease; Not observed at significant frequency in large population cohorts (gnomAD); This variant is associated with the following publications: (PMID: 1316610, 26659639, 25525159, 15024739, 11960572, 15857185, 22790147, 22987206, 27087319, 15300853, 26917275, 26138249, 25248397, 25986922, 26681312, 29419868, 20685668, 20223039, 29367705, 31069152, 11933206, 17411426, 10094547, 34259353, 33309985, 34897210)

Myriad Genetics, Inc.
Classification: Pathogenic for Familial adenomatous polyposis 1. Last evaluated: 2023-04-27. Review status: criteria provided, single submitter. Criteria: Myriad Autosomal Dominant, Autosomal Recessive and X-Linked Classification Criteria (2023). Collection method: clinical testing. Allele origin: unknown.
Comment: This variant is considered pathogenic. This variant creates a termination codon and is predicted to result in premature protein truncation.

Mayo Clinic Laboratories, Mayo Clinic
Classification: Pathogenic. Last evaluated: 2021-09-01. Review status: criteria provided, single submitter. Criteria: ACMG Guidelines, 2015. Collection method: clinical testing. Allele origin: germline.
Comment: PP4, PM2, PVS1

Fulgent Genetics
Classification: Pathogenic for Colorectal cancer; Hepatocellular carcinoma; Desmoid disease, hereditary; Familial adenomatous polyposis 1; Gastric cancer. Last evaluated: 2018-10-31. Review status: criteria provided, single submitter. Criteria: ACMG Guidelines, 2015. Collection method: clinical testing. Allele origin: unknown.

Laboratory for Molecular Medicine, Mass General Brigham Personalized Medicine
Classification: Pathogenic for Familial multiple polyposis syndrome. Last evaluated: 2018-04-17. Review status: criteria provided, single submitter. Criteria: LMM Criteria. Collection method: clinical testing. Allele origin: germline. Inheritance: Autosomal dominant inheritance. Observed: 1 variant allele.
Comment: The p.Arg213X variant in APC has been reported in >15 individuals with APC-assoc iated cancers (Miyoshi 1992, Giarola 1999, Stekrova 2006, Friedl 2005, Garcia-L azano 2005, Lagarde 2010, Susswein 2016) and was absent from large population st udies. This variant has been reported as a somatic variant in >90 tumor samples from various cancer types, including colorectal cancer (The Catalogue of Somatic Mutations in Cancer). This variant has also been reported in ClinVar (Variant ID: 140952). This nonsense variant leads to a premature termination codon at position 213, which is predicted to lead to a tr uncated or absent protein. Heterozygous loss of function of the APC gene is an e stablished disease mechanism in individuals with familial adenomatous polyposis (FAP). In summary, this variant meets criteria to be classified as pathogenic fo r FAP in an autosomal dominant manner based upon predicted impact to the protein , presence in affected individuals, and absence in the general population. ACMG/ AMP Criteria applied: PVS1; PS4; PM2.

Department of Pathology and Laboratory Medicine, Sinai Health System
Classification: Pathogenic for Carcinoma of colon. Review status: no assertion criteria provided. Collection method: clinical testing. Allele origin: unknown. Affected: yes. Observed: 1 variant allele. Study: The Canadian Open Genetics Repository (COGR). Not counted in ClinVar's aggregate classification.
Comment: The APC p.Arg213X variant was identified in 17 of 3498 proband chromosomes (frequency: 0.005) from individuals or families with FAP (Friedl 2005, Giarola 1999, Kanter-Smoler 2008, Kohoutova 2002, Miyoshi 1992, Rivera 2011, Stekrova 2007, Vandrovcova 2004) and was not identified in 206 control chromosomes from healthy individuals (Kohoutova 2002, Stekrova 2007). The variant was also identified HGMD, COSMIC, â€šÃ„ÃºInSiGHT Colon Cancer Databaseâ€šÃ„Ã¹, â€šÃ„ÃºZhejiang Colon Cancer Databaseâ€šÃ„Ã¹, the ClinVar database (classified as a pathogenic variant by Ambry Genetics), GeneInsight (1X, classified as â€šÃ„Ãºpathogenicâ€šÃ„Ã¹) and UMD (97X as a unclassified variant). The p.Arg213X variant leads to a premature stop codon at position 213, which is predicted to lead to a truncated or absent protein and loss of function. Loss of function variants of the APC gene are an established mechanism of disease in familial adenomatous polyposis and is the type of variant expected to cause the disorder. Furthermore, this position has been shown to cause a very severe phenotype with early onset of the disease (Vandrovcova 2004). In summary, based on the above information, this variant meets our laboratoryâ€šÃ„Ã´s criteria to be classified as pathogenic.

Literature cited by the submitters: PubMed 34352208 (cited by Center for Genomic Medicine, Rigshospitalet, Copenhagen University Hospital); PubMed 30897307 (cited by 3 submitters); PubMed 17963004 (cited by Labcorp Genetics (formerly Invitae), Labcorp); PubMed 20685668 (cited by 5 submitters); PubMed 1316610 (cited by 4 submitters); PubMed 10094547 (cited by 4 submitters); PubMed 17411426 (cited by 4 submitters); PubMed 20223039 (cited by 4 submitters); PubMed 26681312 (cited by 4 submitters); PubMed 15024739 (cited by 4 submitters); PubMed 29367705 (cited by Ambry Genetics); PubMed 31069152 (cited by Ambry Genetics and Mayo Clinic Laboratories, Mayo Clinic); PubMed 34479915 (cited by Ambry Genetics); PubMed 22790147 (cited by Quest Diagnostics Nichols Institute San Juan Capistrano); PubMed 15857185 (cited by 3 submitters); PubMed 25525159 (cited by Mayo Clinic Laboratories, Mayo Clinic and Laboratory for Molecular Medicine, Mass General Brigham Personalized Medicine); PubMed 29419868 (cited by Mayo Clinic Laboratories, Mayo Clinic); PubMed 26138249 (cited by Mayo Clinic Laboratories, Mayo Clinic and Laboratory for Molecular Medicine, Mass General Brigham Personalized Medicine).

NM_000038.6(APC):c.637C>T (p.Arg213Ter)

Gene: APC (APC regulator of Wnt signaling pathway; plus strand). Cytogenetic location: 5q22.2.
Variant type: single nucleotide variant.
Coding change: c.637C>T on transcript NM_000038.6 (MANE Select); coding-DNA position 637, C replaced by T.
Protein change: p.Arg213Ter; replaces arginine 213 with a stop codon.
Molecular consequence: nonsense. On other transcripts: 5 prime UTR variant (1).
Genome position (GRCh38, 1-based): chr5:112,780,895, C>T. VCF-style: chr5-112780895-C-T. GRCh37 (hg19) VCF-style: chr5-112116592-C-T.
Other names: p.R213*:CGA>TGA; NM_000038.4:c.637C>T; p.Arg213X; c.637C>T, p.Arg213Ter (NM_001127510.3, NM_001354895.2, NM_001354896.2 and 2 more transcripts); c.667C>T, p.Arg223Ter (NM_001127511.3, NM_001354897.2, NM_001354902.2); c.562C>T, p.Arg188Ter (NM_001354898.2, NM_001354904.2); c.460C>T, p.Arg154Ter (NM_001354900.2, NM_001354901.2, NM_001354905.2); c.-399C>T (NM_001354906.2); short protein forms R213*, R223*, R154*, R188*.
Identifiers: ClinVar variation 140952 (VCV000140952.39), dbSNP rs587781392, ClinGen allele CA011131.